The following is an entry in ClinVar:

NM_018942.3(HMX1):c.44G>A (p.Arg15His)

Gene: HMX1 (H6 family homeobox 1; minus strand). Cytogenetic location: 4p16.1.
Variant type: single nucleotide variant.
Coding change: c.44G>A on transcript NM_018942.3 (MANE Select); coding-DNA position 44, G replaced by A.
Protein change: p.Arg15His; replaces arginine 15 with histidine.
Molecular consequence: missense variant.
Genome position (GRCh38, 1-based): chr4:8,871,571, C>T on the plus strand (G>A on the coding strand, the complement: HMX1 is on the minus strand). VCF-style: chr4-8871571-C-T. GRCh37 (hg19) VCF-style: chr4-8873297-C-T.
Other names: c.44G>A, p.Arg15His (NM_001306142.2); short protein forms R15H.
Identifiers: ClinVar variation 1471993 (VCV001471993.4), dbSNP rs1336865614, ClinGen allele CA356279511.

ClinVar aggregate classification (germline): Uncertain significance. Review status: criteria provided, multiple submitters, no conflicts (2 of 4 stars). 2 submissions from 2 submitters: Uncertain significance (2). Last evaluated 2024-01-23.

Allele frequency attached by ClinVar (database versions not stated): gnomAD 0.00001; TOPMed 0.00002.
gnomAD v4.1: 2 of 1,353,118 alleles (0.00015%); highest among the groups gnomAD compares: East Asian, 0.0065%; no homozygotes.

Submissions (2):

Blueprint Genetics
Classification: Uncertain significance. Last evaluated: 2024-01-23. Review status: criteria provided, single submitter. Criteria: ACMG Guidelines, 2015. Collection method: clinical testing. Allele origin: germline.

Labcorp Genetics (formerly Invitae), Labcorp
Classification: Uncertain significance. Last evaluated: 2022-06-27. Review status: criteria provided, single submitter. Criteria: Invitae Variant Classification Sherloc (09022015). Collection method: clinical testing. Allele origin: germline.
Comment: This sequence change replaces arginine, which is basic and polar, with histidine, which is basic and polar, at codon 15 of the HMX1 protein (p.Arg15His). This variant is not present in population databases (gnomAD no frequency). This variant has not been reported in the literature in individuals affected with HMX1-related conditions. Algorithms developed to predict the effect of missense changes on protein structure and function are either unavailable or do not agree on the potential impact of this missense change (SIFT: "Deleterious"; PolyPhen-2: "Not Available"; Align-GVGD: "Class C0"). In summary, the available evidence is currently insufficient to determine the role of this variant in disease. Therefore, it has been classified as a Variant of Uncertain Significance.